The following is an entry in ClinVar:

ClinVar aggregate classification (germline): Uncertain significance. Review status: criteria provided, multiple submitters, no conflicts (2 of 4 stars). 3 submissions from 3 submitters: Uncertain significance (3). Last evaluated 2025-10-06.

Conditions:
Inborn genetic diseases. Identifiers: MedGen C0950123, MeSH D030342.
Ullrich congenital muscular dystrophy 2 (UCMD2). Identifiers: Orphanet 75840, MedGen C4225314, MONDO:0014654, OMIM 616470.
Bethlem myopathy 2 (BTHLM2). Identifiers: Orphanet 536516, Orphanet 610, MedGen C4225313, MONDO:0034022, OMIM 616471.

Submissions (3):

Ambry Genetics
Classification: Uncertain significance for Inborn genetic diseases. Last evaluated: 2025-10-06. Review status: criteria provided, single submitter. Criteria: Ambry Variant Classification Scheme 2023. Collection method: clinical testing. Allele origin: germline.
Comment: The c.8408G>C (p.G2803A) alteration is located in exon 56 (coding exon 55) of the COL12A1 gene. This alteration results from a G to C substitution at nucleotide position 8408, causing the glycine (G) at amino acid position 2803 to be replaced by an alanine (A). Based on data from gnomAD, this allele has an overall frequency of <0.001% (1/202310) total alleles studied. The highest observed frequency was 0.001% (1/97196) of European (non-Finnish) alleles. This amino acid position is highly conserved in available vertebrate species. The p.G2803A amino acid is located within the triple-helical domain of the collagen COL12A1 chain, and affects one of the highly conserved glycine residues in the Gly-X-Y motif that make up this domain (Ramshaw, 1998). This alteration is predicted to be deleterious by in silico analysis. Based on insufficient or conflicting evidence, the clinical significance of this alteration remains unclear.

GeneDx
Classification: Uncertain significance. Last evaluated: 2024-07-31. Review status: criteria provided, single submitter. Criteria: GeneDx Variant Classification Process June 2021. Collection method: clinical testing. Allele origin: germline. Affected: yes.
Comment: Not observed at significant frequency in large population cohorts (gnomAD); In silico analysis supports that this missense variant has a deleterious effect on protein structure/function; Has not been previously published as pathogenic or benign to our knowledge

Labcorp Genetics (formerly Invitae), Labcorp
Classification: Uncertain significance for Bethlem myopathy 2; Ullrich congenital muscular dystrophy 2. Last evaluated: 2024-03-15. Review status: criteria provided, single submitter. Criteria: Invitae Variant Classification Sherloc (09022015). Collection method: clinical testing. Allele origin: germline.
Comment: This sequence change replaces glycine, which is neutral and non-polar, with alanine, which is neutral and non-polar, at codon 2803 of the COL12A1 protein (p.Gly2803Ala). This variant is present in population databases (no rsID available, gnomAD 0.001%). This variant has not been reported in the literature in individuals affected with COL12A1-related conditions. Advanced modeling of protein sequence and biophysical properties (such as structural, functional, and spatial information, amino acid conservation, physicochemical variation, residue mobility, and thermodynamic stability) performed at Invitae indicates that this missense variant is not expected to disrupt COL12A1 protein function with a negative predictive value of 80%. In summary, the available evidence is currently insufficient to determine the role of this variant in disease. Therefore, it has been classified as a Variant of Uncertain Significance.

Literature cited by the submitters: PubMed 9724608 (cited by Ambry Genetics).

NM_004370.6(COL12A1):c.8408G>C (p.Gly2803Ala)

Gene: COL12A1 (collagen type XII alpha 1 chain; minus strand). Cytogenetic location: 6q13.
Variant type: single nucleotide variant.
Coding change: c.8408G>C on transcript NM_004370.6 (MANE Select); coding-DNA position 8408, G replaced by C.
Protein change: p.Gly2803Ala; replaces glycine 2803 with alanine.
Molecular consequence: missense variant.
Genome position (GRCh38, 1-based): chr6:75,102,604, C>G on the plus strand (G>C on the coding strand, the complement: COL12A1 is on the minus strand). VCF-style: chr6-75102604-C-G. GRCh37 (hg19) VCF-style: chr6-75812320-C-G.
Other names: c.8408G>C (NM_004370.5); c.8408G>C, p.Gly2803Ala (NM_001424113.1); c.8387G>C, p.Gly2796Ala (NM_001424114.1); c.8135G>C, p.Gly2712Ala (NM_001424115.1); c.4916G>C, p.Gly1639Ala (NM_001424116.1, NM_080645.3); short protein forms G2796A, G2803A, G1639A, G2712A.
Identifiers: ClinVar variation 2931065 (VCV002931065.6), dbSNP rs1314873198, ClinGen allele CA364739433.